The following is an entry in ClinVar:

ClinVar aggregate classification (germline): Uncertain significance. Review status: criteria provided, single submitter (1 of 4 stars). 2 submissions from 2 submitters: Uncertain significance (1). 1 of the submissions does not count toward it. Last evaluated 2025-05-13.

Conditions:
Alzheimer disease. Also called: Presenile and senile dementia; Alzheimer's disease. Identifiers: Orphanet 1020, MedGen C0002395, MeSH D000544, MONDO:0004975, HP:0002511.
APP-related disorder. Also called: APP-related condition.

gnomAD v4.1: 5 of 1,614,170 alleles (0.00031%); highest among the groups gnomAD compares: South Asian, 0.0011%; no homozygotes.

Submissions (2):

Labcorp Genetics (formerly Invitae), Labcorp
Classification: Uncertain significance for Alzheimer disease. Last evaluated: 2025-05-13. Review status: criteria provided, single submitter. Criteria: Invitae Variant Classification Sherloc (09022015). Collection method: clinical testing. Allele origin: germline.
Comment: This sequence change replaces arginine, which is basic and polar, with cysteine, which is neutral and slightly polar, at codon 516 of the APP protein (p.Arg516Cys). This variant is present in population databases (rs765907080, gnomAD 0.0009%). This variant has not been reported in the literature in individuals affected with APP-related conditions. ClinVar contains an entry for this variant (Variation ID: 3348586). Invitae Evidence Modeling of protein sequence and biophysical properties (such as structural, functional, and spatial information, amino acid conservation, physicochemical variation, residue mobility, and thermodynamic stability) indicates that this missense variant is not expected to disrupt APP protein function with a negative predictive value of 95%. In summary, the available evidence is currently insufficient to determine the role of this variant in disease. Therefore, it has been classified as a Variant of Uncertain Significance.

PreventionGenetics, part of Exact Sciences
Classification: Uncertain significance for APP-related condition. Last evaluated: 2024-03-05. Review status: no assertion criteria provided. Collection method: clinical testing. Allele origin: germline. Not counted in ClinVar's aggregate classification.
Comment: The APP c.1546C>T variant is predicted to result in the amino acid substitution p.Arg516Cys. To our knowledge, this variant has not been reported in the literature. This variant is reported in 0.00088% of alleles in individuals of European (Non-Finnish) descent in gnomAD. At this time, the clinical significance of this variant is uncertain due to the absence of conclusive functional and genetic evidence.

NM_000484.4(APP):c.1546C>T (p.Arg516Cys)

Genes: APP (amyloid beta precursor protein; minus strand), LOC126653330 (CDK7 strongly-dependent group 2 enhancer GRCh37_chr21:27326978-27328177; plus strand). Cytogenetic location: 21q21.3.
Variant type: single nucleotide variant.
Coding change: c.1546C>T on transcript NM_000484.4 (MANE Select); coding-DNA position 1546, C replaced by T.
Protein change: p.Arg516Cys; replaces arginine 516 with cysteine.
Molecular consequence: missense variant.
Genome position (GRCh38, 1-based): chr21:25,955,668, G>A on the plus strand (C>T on the coding strand, the complement: APP is on the minus strand). VCF-style: chr21-25955668-G-A. GRCh37 (hg19) VCF-style: chr21-27327982-G-A.
Other names: c.1474C>T, p.Arg492Cys (NM_001136016.3); c.1153C>T, p.Arg385Cys (NM_001136129.3); c.1378C>T, p.Arg460Cys (NM_001136130.3, NM_001385253.1); c.1216C>T, p.Arg406Cys (NM_001136131.3); c.1546C>T, p.Arg516Cys (NM_001204301.2); c.1489C>T, p.Arg497Cys (NM_001204302.2, NM_201413.3); c.1321C>T, p.Arg441Cys (NM_001204303.2, NM_201414.3); short protein forms R385C, R406C, R441C, R460C, R492C, R497C, R516C.
Identifiers: ClinVar variation 3348586 (VCV003348586.2).